The following is an entry in ClinVar:

NM_152327.5(AK7):c.452T>A (p.Leu151Ter)

Gene: AK7 (adenylate kinase 7; plus strand). Cytogenetic location: 14q32.2.
Variant type: single nucleotide variant.
Coding change: c.452T>A on transcript NM_152327.5 (MANE Select); coding-DNA position 452, T replaced by A.
Protein change: p.Leu151Ter; replaces leucine 151 with a stop codon.
Molecular consequence: nonsense.
Genome position (GRCh38, 1-based): chr14:96,408,895, T>A. VCF-style: chr14-96408895-T-A. GRCh37 (hg19) VCF-style: chr14-96875232-T-A.
Other names: c.452T>A, p.Leu151Ter (NM_001350888.2, NM_001350890.2, NM_001350891.2 and 1 more transcripts); short protein forms L151*.
Identifiers: ClinVar variation 5005365 (VCV005005365.2).

ClinVar aggregate classification (germline): Uncertain significance (1 of 4 stars; one submission).

Conditions:
Spermatogenic failure 27. Identifiers: MedGen C4693784, MONDO:0054731, OMIM 617965.

gnomAD v4.1: 1 of 1,614,240 alleles (0.000062%); highest among the groups gnomAD compares: East Asian, 0.0022%; no homozygotes.

Submission:

Juno Genomics, Hangzhou Juno Genomics, Inc
Classification: Uncertain significance for Spermatogenic failure 27. Review status: criteria provided, single submitter. Criteria: ACMG Guidelines, 2015. Collection method: clinical testing. Allele origin: germline.
Comment: Absent from controls (or at extremely low frequency if recessive) in Genome Aggregation Database.